The following is an entry in ClinVar:

ClinVar aggregate classification (germline): Uncertain significance (1 of 4 stars; one submission).

Conditions:
Congenital contractural arachnodactyly (CCA). Also called: BEALS SYNDROME; Arthrogryposis, distal, type 9; Beals-Hecht syndrome. Identifiers: Orphanet 115, MedGen C0220668, MONDO:0007363, OMIM 121050.

Submission:

Labcorp Genetics (formerly Invitae), Labcorp
Classification: Uncertain significance for Congenital contractural arachnodactyly. Last evaluated: 2018-04-17. Review status: criteria provided, single submitter. Criteria: Invitae Variant Classification Sherloc (09022015). Collection method: clinical testing. Allele origin: germline.
Comment: This sequence change replaces glycine with valine at codon 2716 of the FBN2 protein (p.Gly2716Val). The glycine residue is highly conserved and there is a moderate physicochemical difference between glycine and valine. This variant is not present in population databases (ExAC no frequency). This variant has not been reported in the literature in individuals with FBN2-related disease. Algorithms developed to predict the effect of missense changes on protein structure and function (SIFT, PolyPhen-2, Align-GVGD) all suggest that this variant is likely to be disruptive, but these predictions have not been confirmed by published functional studies and their clinical significance is uncertain. In summary, the available evidence is currently insufficient to determine the role of this variant in disease. Therefore, it has been classified as a Variant of Uncertain Significance.

NM_001999.4(FBN2):c.8147G>T (p.Gly2716Val)

Gene: FBN2 (fibrillin 2; minus strand). Cytogenetic location: 5q23.3.
Variant type: single nucleotide variant.
Coding change: c.8147G>T on transcript NM_001999.4 (MANE Select); coding-DNA position 8147, G replaced by T.
Protein change: p.Gly2716Val; replaces glycine 2716 with valine.
Molecular consequence: missense variant.
Genome position (GRCh38, 1-based): chr5:128,263,470, C>A on the plus strand (G>T on the coding strand, the complement: FBN2 is on the minus strand). VCF-style: chr5-128263470-C-A. GRCh37 (hg19) VCF-style: chr5-127599162-C-A.
Other names: short protein forms G2716V.
Identifiers: ClinVar variation 582715 (VCV000582715.9), dbSNP rs1561736199, ClinGen allele CA360748404.